The following is an entry in ClinVar:

ClinVar aggregate classification (germline): Benign (1 of 4 stars; one submission).

Allele frequency attached by ClinVar (database versions not stated): 1000 Genomes Project 30x 0.00141; 1000 Genomes Project 0.00160; ESP Exome Variant Server 0.00161; TOPMed 0.00164; gnomAD 0.00177; ExAC 0.00239; gnomAD exomes 0.00268.
gnomAD v4.1: 4,191 of 1,613,848 alleles (0.26%); highest among the groups gnomAD compares: South Asian, 0.54%; 21 homozygotes.

Submission:

CeGaT Center for Human Genetics Tuebingen
Classification: Benign. Last evaluated: 2023-04-01. Review status: criteria provided, single submitter. Criteria: CeGaT Center For Human Genetics Tuebingen Variant Classification Criteria Version 2. Collection method: clinical testing. Allele origin: germline. Affected: yes. Observed: 1 variant allele.
Comment: EPHA7: BP4, BS1, BS2

NM_004440.4(EPHA7):c.1281C>T (p.Ser427=)

Gene: EPHA7 (EPH receptor A7; minus strand). Cytogenetic location: 6q16.1.
Variant type: single nucleotide variant.
Coding change: c.1281C>T on transcript NM_004440.4 (MANE Select); coding-DNA position 1281, C replaced by T.
Protein change: p.Ser427=; no amino-acid change (serine 427 retained).
Molecular consequence: synonymous variant. On other transcripts: non-coding transcript variant (1).
Genome position (GRCh38, 1-based): chr6:93,356,760, G>A on the plus strand (C>T on the coding strand, the complement: EPHA7 is on the minus strand). VCF-style: chr6-93356760-G-A. GRCh37 (hg19) VCF-style: chr6-94066478-G-A.
Other names: c.1281C>T, p.Ser427= (NM_001288629.2, NM_001376465.1, NM_001376466.1 and 3 more transcripts); c.1053C>T, p.Ser351= (NM_001376470.1, NM_001376471.1).
Identifiers: ClinVar variation 2656777 (VCV002656777.24), dbSNP rs56140608, ClinGen allele CA3929249.